The following is an entry in ClinVar:

NM_006767.4(LZTR1):c.2009C>T (p.Thr670Ile)

Gene: LZTR1 (leucine zipper like post translational regulator 1; plus strand). Cytogenetic location: 22q11.21.
Variant type: single nucleotide variant.
Coding change: c.2009C>T on transcript NM_006767.4 (MANE Select); coding-DNA position 2009, C replaced by T.
Protein change: p.Thr670Ile; replaces threonine 670 with isoleucine.
Molecular consequence: missense variant.
Genome position (GRCh38, 1-based): chr22:20,995,812, C>T. VCF-style: chr22-20995812-C-T. GRCh37 (hg19) VCF-style: chr22-21350101-C-T.
Other names: short protein forms T670I.
Identifiers: ClinVar variation 1784367 (VCV001784367.8), dbSNP rs141679122, ClinGen allele CA322271020.

ClinVar aggregate classification (germline): Uncertain significance. Review status: criteria provided, multiple submitters, no conflicts (2 of 4 stars). 4 submissions from 4 submitters: Uncertain significance (4). Last evaluated 2025-11-23.

Conditions:
Hereditary cancer-predisposing syndrome. Also called: Tumor predisposition; Neoplastic Syndromes, Hereditary; Hereditary Cancer Syndrome; Hereditary neoplastic syndrome. Identifiers: Orphanet 140162, MedGen C0027672, MeSH D009386, MONDO:0015356.
Cardiovascular phenotype. Identifiers: MedGen CN230736.
LZTR1-related schwannomatosis. Also called: Schwannomatosis 2; Schwannomatosis-2, susceptibility to. Identifiers: Orphanet 93921, MedGen C3810283, MONDO:0014299, OMIM 615670.

Allele frequency attached by ClinVar (database versions not stated): gnomAD exomes 0.00001; TOPMed 0.00001; gnomAD 0.00002.
gnomAD v4.1: 13 of 1,613,364 alleles (0.00081%); highest among the groups gnomAD compares: African/African-American, 0.004%; no homozygotes.

Submissions (4):

Labcorp Genetics (formerly Invitae), Labcorp
Classification: Uncertain significance. Last evaluated: 2025-11-23. Review status: criteria provided, single submitter. Criteria: Invitae Variant Classification Sherloc (09022015). Collection method: clinical testing. Allele origin: germline.
Comment: This sequence change replaces threonine, which is neutral and polar, with isoleucine, which is neutral and non-polar, at codon 670 of the LZTR1 protein (p.Thr670Ile). This variant is present in population databases (no rsID available, gnomAD 0.0009%). This variant has not been reported in the literature in individuals affected with LZTR1-related conditions. ClinVar contains an entry for this variant (Variation ID: 1784367). Invitae Evidence Modeling of protein sequence and biophysical properties (such as structural, functional, and spatial information, amino acid conservation, physicochemical variation, residue mobility, and thermodynamic stability) indicates that this missense variant is not expected to disrupt LZTR1 protein function with a negative predictive value of 80%. In summary, the available evidence is currently insufficient to determine the role of this variant in disease. Therefore, it has been classified as a Variant of Uncertain Significance.

GeneDx
Classification: Uncertain significance. Last evaluated: 2024-08-14. Review status: criteria provided, single submitter. Criteria: GeneDx Variant Classification Process June 2021. Collection method: clinical testing. Allele origin: germline.
Comment: Not observed at significant frequency in large population cohorts (gnomAD); In silico analysis indicates that this missense variant does not alter protein structure/function; Has not been previously published as pathogenic or benign to our knowledge

Ambry Genetics
Classification: Uncertain significance for Cardiovascular phenotype; Hereditary cancer-predisposing syndrome. Last evaluated: 2024-03-12. Review status: criteria provided, single submitter. Criteria: Ambry Variant Classification Scheme 2023. Collection method: clinical testing. Allele origin: germline.
Comment: The p.T670I variant (also known as c.2009C>T), located in coding exon 17 of the LZTR1 gene, results from a C to T substitution at nucleotide position 2009. The threonine at codon 670 is replaced by isoleucine, an amino acid with similar properties. This amino acid position is not well conserved in available vertebrate species. In addition, this alteration is predicted to be tolerated by in silico analysis. Since supporting evidence is limited at this time, the clinical significance of this alteration remains unclear.

Baylor Genetics
Classification: Uncertain significance for LZTR1-related schwannomatosis. Last evaluated: 2023-10-03. Review status: criteria provided, single submitter. Criteria: ACMG Guidelines, 2015. Collection method: clinical testing. Allele origin: unknown.